The following is an entry in ClinVar:

NM_004817.4(TJP2):c.3067_3068delinsTT (p.Ala1023Phe)

Gene: TJP2 (tight junction protein 2; plus strand). Cytogenetic location: 9q21.11.
Variant type: Indel.
Coding change: c.3067_3068delinsTT on transcript NM_004817.4 (MANE Select); coding-DNA positions 3067 to 3068, GC replaced by TT.
Protein change: p.Ala1023Phe; replaces alanine 1023 with phenylalanine.
Molecular consequence: missense variant. On other transcripts: intron variant (3).
Genome position (GRCh38, 1-based): chr9:69,251,110-69,251,111, GC replaced by TT. VCF-style: chr9-69251110-GC-TT. GRCh37 (hg19) VCF-style: chr9-71866026-GC-TT.
Other names: c.3067_3068delinsTT (NM_004817.3); c.3067_3068delinsTT, p.Ala1023Phe (LRG_1201t1); c.2968_2969delinsTT, p.Ala990Phe (NM_001170415.1); c.3160_3161delinsTT, p.Ala1054Phe (NM_001170416.2); c.2992_2993delinsTT, p.Ala998Phe (NM_001369870.1); c.2998_2999delinsTT, p.Ala1000Phe (NM_001369871.1); c.2956_2957delinsTT, p.Ala986Phe (NM_001369872.1); c.2743_2744delinsTT, p.Ala915Phe (NM_001369873.1); and 4 more; short protein forms A915F, A986F, A998F, A1054F, A1023F, A1027F, A1000F, A990F.
Identifiers: ClinVar variation 501647 (VCV000501647.9), dbSNP rs1554668727, ClinGen allele CA658797213.
Genomic context (GRCh38, chr9:69,251,110, plus strand): 5'-AAAGAAGAATCCTATGACTTCTCCAAATCCTATGAATATAAGTCAAACCCCTCTGCCGTT[GC>TT]TGGTAATGAAACTCCTGGGGCATCTACCAAAGGTTATCCTCCTCCTGTTGCAGCAAAACC-3'
Protein context (NP_004808.2, residues 1013-1033): YEYKSNPSAV[Ala1023Phe]GNETPGASTK

ClinVar aggregate classification (germline): Uncertain significance. Review status: criteria provided, multiple submitters, no conflicts (2 of 4 stars). 3 submissions from 3 submitters: Uncertain significance (3). Last evaluated 2026-04-17.

Conditions:
TJP2-related disorder. Also called: TJP2-related condition.

Submissions (3):

PreventionGenetics, part of Exact Sciences
Classification: Uncertain significance for TJP2-related condition. Last evaluated: 2026-04-17. Review status: criteria provided, single submitter. Criteria: ACMG Guidelines, 2015. Collection method: clinical testing. Allele origin: germline.
Comment: The TJP2 c.3067_3068delinsTT variant is predicted to result in an in-frame deletion and insertion. This variant has been reported in an individual with benign recurrent intrahepatic cholestasis (Kornitzer and Alvarez et al. 2021. PubMed ID: 37205944). This variant has not been reported in the literature or in a large population database (gnomAD), indicating this variant is rare. At this time, the clinical significance of this variant is uncertain due to the absence of conclusive functional and genetic evidence.

GeneDx
Classification: Uncertain significance. Last evaluated: 2023-12-04. Review status: criteria provided, single submitter. Criteria: GeneDx Variant Classification Process June 2021. Collection method: clinical testing. Allele origin: germline. Affected: yes.
Comment: In silico analysis supports that this variant does not alter protein structure/function; Has not been previously published as pathogenic or benign to our knowledge

Eurofins Ntd Llc (ga)
Classification: Uncertain significance. Last evaluated: 2017-04-21. Review status: criteria provided, single submitter. Criteria: EGL Classification Definitions 2015. Collection method: clinical testing. Allele origin: germline. Observed: 2 variant alleles, 2 heterozygotes.